The following is an entry in ClinVar:

ClinVar aggregate classification (somatic clinical impact): Tier I - Strong (1 of 4 stars; one submission).

Conditions:
Neuroblastoma (NB). Identifiers: Orphanet 635, MedGen C0027819, MeSH D009447, MONDO:0005072, HP:0003006.

Submission:

Institute for Genomic Medicine (IGM) Clinical Laboratory, Nationwide Children's Hospital
Classification: Tier I - Strong for Neuroblastoma. Assertion type: diagnostic. Clinical significance: supports diagnosis. Last evaluated: 2024-03-08. Review status: criteria provided, single submitter. Criteria: AMP/ASCO/CAP Guidelines, 2017. Collection method: clinical testing. Allele origin: somatic. Affected: yes.
Comment: Variant has Tier I (strong) clinical significance as a diagnostic inclusion criterion in neuroblastoma, based on the following evidence: 1) Appears in one or more well-established professional guidelines (e.g., World Health Organization [WHO]; National Comprehensive Cancer Network [NCCN]) as providing diagnostic, prognostic, or therapeutic information. 2) Diagnostic for a specific tumor type/classification based on well-powered studies with expert-level consensus (Evidence Level B; PMIDs: 22416102, 25487495, 28452859, 29574715).

Literature cited by the submitters: PubMed 22416102; PubMed 25487495; PubMed 28452859; PubMed 29574715.

NM_000489.6(ATRX):c.6244G>T (p.Asp2082Tyr)

Gene: ATRX (ATRX chromatin remodeler; minus strand). Cytogenetic location: Xq21.1.
Variant type: single nucleotide variant.
Coding change: c.6244G>T on transcript NM_000489.6 (MANE Select); coding-DNA position 6244, G replaced by T.
Protein change: p.Asp2082Tyr; replaces aspartic acid 2082 with tyrosine.
Molecular consequence: missense variant.
Genome position (GRCh38, 1-based): chrX:77,574,332, C>A on the plus strand (G>T on the coding strand, the complement: ATRX is on the minus strand). VCF-style: chrX-77574332-C-A. GRCh37 (hg19) VCF-style: chrX-76829797-C-A.
Other names: c.6130G>T, p.Asp2044Tyr (NM_138270.5); short protein forms D2044Y, D2082Y.
Identifiers: ClinVar variation 4530223 (VCV004530223.1).